The following is an entry in ClinVar:

NM_001080508.3(TBX18):c.379_399del (p.Ala127_Leu133del)

Gene: TBX18 (T-box transcription factor 18; minus strand). Cytogenetic location: 6q14.3.
Variant type: Deletion.
Coding change: c.379_399del on transcript NM_001080508.3 (MANE Select); coding-DNA positions 379 to 399, 21 bases deleted (GCCCGGCCCGGGACCCCTCTG).
Protein change: p.Ala127_Leu133del.
Molecular consequence: inframe deletion.
Genome position (GRCh38, 1-based): chr6:84,762,642-84,762,662, CAGAGGGGTCCCGGGCCGGGC deleted on the plus strand (GCCCGGCCCGGGACCCCTCTG on the coding strand, the reverse complement: TBX18 is on the minus strand); deleting any 21 consecutive bases within chr6:84,762,642-84,762,665 gives the same sequence; the c. name uses the placement nearest the transcript's 3' end. VCF-style (leftmost placement, unchanged base first): chr6-84762641-GCAGAGGGGTCCCGGGCCGGGC-G. GRCh37 (hg19) VCF-style: chr6-85472359-GCAGAGGGGTCCCGGGCCGGGC-G.
Identifiers: ClinVar variation 5037437 (VCV005037437.1).

ClinVar aggregate classification (germline): Uncertain significance (1 of 4 stars; one submission).

Submission:

GeneDx
Classification: Uncertain significance. Last evaluated: 2026-04-20. Review status: criteria provided, single submitter. Criteria: GeneDx Variant Classification Process June 2021. Collection method: clinical testing. Allele origin: germline.
Comment: Not observed at significant frequency in large population cohorts (gnomAD); In-frame deletion of 7 amino acid(s) in a non-repeat region; In silico analysis supports a deleterious effect on protein structure/function; Has not been previously published as pathogenic or benign to our knowledge